The following is an entry in ClinVar:

NM_001069.3(TUBB2A):c.44A>G (p.Gln15Arg)

Gene: TUBB2A (tubulin beta 2A class IIa; minus strand). Cytogenetic location: 6p25.2.
Variant type: single nucleotide variant.
Coding change: c.44A>G on transcript NM_001069.3 (MANE Select); coding-DNA position 44, A replaced by G.
Protein change: p.Gln15Arg; replaces glutamine 15 with arginine.
Molecular consequence: missense variant. On other transcripts: 5 prime UTR variant (1).
Genome position (GRCh38, 1-based): chr6:3,157,420, T>C on the plus strand (A>G on the coding strand, the complement: TUBB2A is on the minus strand). VCF-style: chr6-3157420-T-C. GRCh37 (hg19) VCF-style: chr6-3157654-T-C.
Other names: c.-344A>G (NM_001310315.2); short protein forms Q15R.
Identifiers: ClinVar variation 4538098 (VCV004538098.1).

ClinVar aggregate classification (germline): Uncertain significance (1 of 4 stars; one submission).

Submission:

GeneDx
Classification: Uncertain significance. Last evaluated: 2025-06-09. Review status: criteria provided, single submitter. Criteria: GeneDx Variant Classification Process June 2021. Collection method: clinical testing. Allele origin: germline. Affected: yes.
Comment: Not observed at significant frequency in large population cohorts (gnomAD); In silico analysis suggests that this missense variant does not alter protein structure/function; Has not been previously published as pathogenic or benign to our knowledge